The following is an entry in ClinVar:

ClinVar aggregate classification (germline): Benign. Review status: criteria provided, multiple submitters, no conflicts (2 of 4 stars). 8 submissions from 6 submitters: Benign (8). Last evaluated 2026-01-31.

Conditions:
Insulin-resistant diabetes mellitus AND acanthosis nigricans. Also called: type A insulin resistance; DIABETES MELLITUS, INSULIN-RESISTANT, WITH ACANTHOSIS NIGRICANS, TYPE A; INSULIN RECEPTOR, DEFECT IN, WITH INSULIN-RESISTANT DIABETES MELLITUS AND ACANTHOSIS NIGRICANS; IRAN, TYPE A; Insulin-resistance syndrome type A. Identifiers: Orphanet 2297, MedGen C0342278, MONDO:0012520, OMIM 610549.
Rabson-Mendenhall syndrome. Also called: Pineal Hyperplasia, Insulin-Resistant Diabetes Mellitus, and Somatic Abnormalities; MENDENHALL SYNDROME; Pineal hyperplasia AND diabetes mellitus syndrome. Identifiers: Orphanet 769, MedGen C0271695, MONDO:0009874, OMIM 262190.
Leprechaunism syndrome. Also called: LEPRECHAUNISM; Donohue syndrome. Identifiers: Orphanet 508, MedGen C0265344, MONDO:0009517, OMIM 246200.

Allele frequency attached by ClinVar (database versions not stated): gnomAD exomes 0.08956 and 0.09843; ExAC 0.10557; gnomAD 0.12510 and 0.12587; TOPMed 0.12981; ESP Exome Variant Server 0.13186; 1000 Genomes Project 0.15974; 1000 Genomes Project 30x 0.16771.
gnomAD v4.1: 150,263 of 1,611,114 alleles (9.3%); highest among the groups gnomAD compares: African/African-American, 25%; 9,582 homozygotes.

Submissions (8):

Labcorp Genetics (formerly Invitae), Labcorp
Classification: Benign. Last evaluated: 2026-01-31. Review status: criteria provided, single submitter. Criteria: Invitae Variant Classification Sherloc (09022015). Collection method: clinical testing. Allele origin: germline.

Blueprint Genetics
Classification: Benign. Last evaluated: 2024-11-28. Review status: criteria provided, single submitter. Criteria: ACMG Guidelines, 2015. Collection method: clinical testing. Allele origin: germline.

GeneDx
Classification: Benign. Last evaluated: 2021-06-09. Review status: criteria provided, single submitter. Criteria: GeneDx Variant Classification Process June 2021. Collection method: clinical testing. Allele origin: germline. Affected: yes.

ARUP Laboratories, Molecular Genetics and Genomics, ARUP Laboratories
Classification: Benign. Last evaluated: 2021-01-14. Review status: criteria provided, single submitter. Criteria: ARUP Molecular Germline Variant Investigation Process 2021. Collection method: clinical testing. Allele origin: germline.

Illumina Laboratory Services, Illumina
Classification: Benign for Rabson-Mendenhall syndrome. Last evaluated: 2018-01-13. Review status: criteria provided, single submitter. Criteria: ICSL Variant Classification Criteria 13 December 2019. Collection method: clinical testing. Allele origin: germline.
Comment: This variant was observed in the ICSL laboratory as part of a predisposition screen in an ostensibly healthy population. It had not been previously curated by ICSL or reported in the Human Gene Mutation Database (HGMD: prior to June 1st, 2018), and was therefore a candidate for classification through an automated scoring system. Utilizing variant allele frequency, disease prevalence and penetrance estimates, and inheritance mode, an automated score was calculated to assess if this variant is too frequent to cause the disease. Based on the score and internal cut-off values, a variant classified as benign is not then subjected to further curation. The score for this variant resulted in a classification of benign for this disease.

Illumina Laboratory Services, Illumina
Classification: Benign for Insulin-resistant diabetes mellitus AND acanthosis nigricans. Last evaluated: 2018-01-13. Review status: criteria provided, single submitter. Criteria: ICSL Variant Classification Criteria 13 December 2019. Collection method: clinical testing. Allele origin: germline.
Comment: the same text as in the submission from Illumina Laboratory Services, Illumina above.

Illumina Laboratory Services, Illumina
Classification: Benign for Leprechaunism syndrome. Last evaluated: 2018-01-13. Review status: criteria provided, single submitter. Criteria: ICSL Variant Classification Criteria 13 December 2019. Collection method: clinical testing. Allele origin: germline.
Comment: the same text as in the submission from Illumina Laboratory Services, Illumina above.

Breakthrough Genomics
Classification: Benign. Review status: criteria provided, single submitter. Criteria: ACMG Guidelines, 2015. Collection method: not provided. Allele origin: germline. Inheritance: Autosomal recessive inheritance. Affected: yes.

NM_000208.4(INSR):c.1918C>T (p.Leu640=)

Gene: INSR (insulin receptor; minus strand). Cytogenetic location: 19p13.2.
Variant type: single nucleotide variant.
Coding change: c.1918C>T on transcript NM_000208.4 (MANE Select); coding-DNA position 1918, C replaced by T.
Protein change: p.Leu640=; no amino-acid change (leucine 640 retained).
Molecular consequence: synonymous variant.
Genome position (GRCh38, 1-based): chr19:7,163,143, G>A on the plus strand (C>T on the coding strand, the complement: INSR is on the minus strand). VCF-style: chr19-7163143-G-A. GRCh37 (hg19) VCF-style: chr19-7163154-G-A.
Other names: c.1918C>T, p.Leu640= (NM_001079817.3).
Identifiers: ClinVar variation 330468 (VCV000330468.26), dbSNP rs2963, ClinGen allele CA9135718.